The following is an entry in ClinVar:

NM_001378030.1(CCDC78):c.439C>T (p.Gln147Ter)

Gene: CCDC78 (coiled-coil domain containing 78; minus strand). Cytogenetic location: 16p13.3.
Variant type: single nucleotide variant.
Coding change: c.439C>T on transcript NM_001378030.1 (MANE Select); coding-DNA position 439, C replaced by T.
Protein change: p.Gln147Ter; replaces glutamine 147 with a stop codon.
Molecular consequence: nonsense. On other transcripts: 5 prime UTR variant (1), non-coding transcript variant (5).
Genome position (GRCh38, 1-based): chr16:725,290, G>A on the plus strand (C>T on the coding strand, the complement: CCDC78 is on the minus strand). VCF-style: chr16-725290-G-A. GRCh37 (hg19) VCF-style: chr16-775290-G-A.
Other names: c.439C>T, p.Gln147Ter (NM_001031737.3, NM_001378031.1); c.-15C>T (NM_001378033.1); short protein forms Q147*.
Identifiers: ClinVar variation 3017722 (VCV003017722.3), dbSNP rs201824741, ClinGen allele CA7789590.

ClinVar aggregate classification (germline): Uncertain significance (1 of 4 stars; one submission).

Conditions:
Congenital myopathy with internal nuclei and atypical cores. Also called: Myopathy, centronuclear, 4. Identifiers: Orphanet 319160, MedGen C4707232, MONDO:0013890, OMIM 614807.

Allele frequency attached by ClinVar (database versions not stated): gnomAD exomes below 0.00001; ExAC 0.00001; TOPMed 0.00001; gnomAD 0.00002; 1000 Genomes Project 30x 0.00016; 1000 Genomes Project 0.00020.
gnomAD v4.1: 5 of 1,607,726 alleles (0.00031%); highest among the groups gnomAD compares: Admixed American, 0.0067%; no homozygotes.

Submission:

Labcorp Genetics (formerly Invitae), Labcorp
Classification: Uncertain significance for Congenital myopathy with internal nuclei and atypical cores. Last evaluated: 2024-11-18. Review status: criteria provided, single submitter. Criteria: Invitae Variant Classification Sherloc (09022015). Collection method: clinical testing. Allele origin: germline.
Comment: This sequence change creates a premature translational stop signal (p.Gln147*) in the CCDC78 gene. It is expected to result in an absent or disrupted protein product. However, the current clinical and genetic evidence is not sufficient to establish whether loss-of-function variants in CCDC78 cause disease. This variant is present in population databases (rs201824741, gnomAD 0.003%). This variant has not been reported in the literature in individuals affected with CCDC78-related conditions. ClinVar contains an entry for this variant (Variation ID: 3017722). Algorithms developed to predict the effect of sequence changes on RNA splicing suggest that this variant may disrupt the consensus splice site. In summary, the available evidence is currently insufficient to determine the role of this variant in disease. Therefore, it has been classified as a Variant of Uncertain Significance.